The following is an entry in ClinVar:

NM_001097642.3(GJB1):c.-16-575G>A

Gene: GJB1 (gap junction protein beta 1; plus strand). Cytogenetic location: Xq13.1.
Variant type: single nucleotide variant.
Coding change: c.-16-575G>A on transcript NM_001097642.3; 575 bases into the intron before 16 bases upstream of the start codon, G replaced by A.
Molecular consequence: intron variant.
Genome position (GRCh38, 1-based): chrX:71,223,117, G>A. VCF-style: chrX-71223117-G-A. GRCh37 (hg19) VCF-style: chrX-70442967-G-A.
Other names: c.-17+351G>A (NM_001440770.1).
Identifiers: ClinVar variation 4982741 (VCV004982741.1).

ClinVar aggregate classification (germline): Uncertain significance (1 of 4 stars; one submission).

Conditions:
GJB1-related disorder. Also called: GJB1-related condition; GJB1-related disorders.

Submission:

PreventionGenetics, part of Exact Sciences
Classification: Uncertain significance for GJB1-related condition. Last evaluated: 2026-02-18. Review status: criteria provided, single submitter. Criteria: ACMG Guidelines, 2015. Collection method: clinical testing. Allele origin: germline.
Comment: The GJB1 c.-235G>A variant is located in the 5' untranslated region. To our knowledge, this variant has not been reported in the literature or in a large population database (gnomAD), indicating this variant is rare. A different variant in this non-coding region (c.-236_-235insT) has been reported in a patient with Charcot-Marie-Tooth disease which was predicted to disrupt an E3 EGR2 binding site (Reported as c.-146-90_-146-89insT in Tomaselli et al. 2017. PubMed ID: 28283593). At this time, the clinical significance of this variant is uncertain due to the absence of conclusive functional and genetic evidence.